The following is an entry in ClinVar:

NM_000324.3(RHAG):c.437T>C (p.Ile146Thr)

Gene: RHAG (Rh associated glycoprotein; minus strand). Cytogenetic location: 6p12.3.
Variant type: single nucleotide variant.
Coding change: c.437T>C on transcript NM_000324.3 (MANE Select); coding-DNA position 437, T replaced by C.
Protein change: p.Ile146Thr; replaces isoleucine 146 with threonine.
Molecular consequence: missense variant.
Genome position (GRCh38, 1-based): chr6:49,618,123, A>G on the plus strand (T>C on the coding strand, the complement: RHAG is on the minus strand). VCF-style: chr6-49618123-A-G. GRCh37 (hg19) VCF-style: chr6-49585836-A-G.
Other names: short protein forms I146T.
Identifiers: ClinVar variation 2435420 (VCV002435420.7), dbSNP rs751765811, ClinGen allele CA3847918.

ClinVar aggregate classification (germline): Uncertain significance. Review status: criteria provided, multiple submitters, no conflicts (2 of 4 stars). 4 submissions from 4 submitters: Uncertain significance (3). 1 of the submissions does not count toward it. Last evaluated 2025-02-20.

Conditions:
RHAG-related disorder. Also called: RHAG-related condition.

Allele frequency attached by ClinVar (database versions not stated): gnomAD 0.00001; ExAC 0.00002; gnomAD exomes 0.00002; TOPMed 0.00002.
gnomAD v4.1: 14 of 1,614,092 alleles (0.00087%); highest among the groups gnomAD compares: Admixed American, 0.023%; no homozygotes.

Submissions (4):

Labcorp Genetics (formerly Invitae), Labcorp
Classification: Uncertain significance. Last evaluated: 2025-02-20. Review status: criteria provided, single submitter. Criteria: Invitae Variant Classification Sherloc (09022015). Collection method: clinical testing. Allele origin: germline.
Comment: This sequence change replaces isoleucine, which is neutral and non-polar, with threonine, which is neutral and polar, at codon 146 of the RHAG protein (p.Ile146Thr). This variant is present in population databases (rs751765811, gnomAD 0.03%). This variant has not been reported in the literature in individuals affected with RHAG-related conditions. ClinVar contains an entry for this variant (Variation ID: 2435420). Invitae Evidence Modeling of protein sequence and biophysical properties (such as structural, functional, and spatial information, amino acid conservation, physicochemical variation, residue mobility, and thermodynamic stability) indicates that this missense variant is not expected to disrupt RHAG protein function with a negative predictive value of 80%. In summary, the available evidence is currently insufficient to determine the role of this variant in disease. Therefore, it has been classified as a Variant of Uncertain Significance.

Ambry Genetics
Classification: Uncertain significance. Last evaluated: 2024-06-03. Review status: criteria provided, single submitter. Criteria: Ambry Variant Classification Scheme 2023. Collection method: clinical testing. Allele origin: germline.

Revvity Omics, Revvity
Classification: Uncertain significance. Last evaluated: 2022-10-17. Review status: criteria provided, single submitter. Criteria: ACMG Guidelines, 2015. Collection method: clinical testing. Allele origin: germline.

PreventionGenetics, part of Exact Sciences
Classification: Uncertain significance for RHAG-related condition. Last evaluated: 2023-12-17. Review status: no assertion criteria provided. Collection method: clinical testing. Allele origin: germline. Not counted in ClinVar's aggregate classification.
Comment: The RHAG c.437T>C variant is predicted to result in the amino acid substitution p.Ile146Thr. To our knowledge, this variant has not been reported in the literature. This variant is reported in 0.023% of alleles in individuals of Latino descent in gnomAD. At this time, the clinical significance of this variant is uncertain due to the absence of conclusive functional and genetic evidence.